The following is an entry in ClinVar:

ClinVar aggregate classification (germline): Uncertain significance. Review status: criteria provided, multiple submitters, no conflicts (2 of 4 stars). 2 submissions from 2 submitters: Uncertain significance (2). Last evaluated 2025-01-14.

Conditions:
Combined oxidative phosphorylation defect type 27. Also called: Combined oxidative phosphorylation deficiency 27. Identifiers: Orphanet 477774, MedGen C5567608, MONDO:0014728, OMIM 616672.

Allele frequency attached by ClinVar (database versions not stated): gnomAD 0.00001; TOPMed 0.00002.

Submissions (2):

GeneDx
Classification: Uncertain significance. Last evaluated: 2025-01-14. Review status: criteria provided, single submitter. Criteria: GeneDx Variant Classification Process June 2021. Collection method: clinical testing. Allele origin: germline.
Comment: Not observed at significant frequency in large population cohorts (gnomAD); In silico analysis indicates that this missense variant does not alter protein structure/function; Has not been previously published as pathogenic or benign to our knowledge

Labcorp Genetics (formerly Invitae), Labcorp
Classification: Uncertain significance for Combined oxidative phosphorylation defect type 27. Last evaluated: 2021-12-02. Review status: criteria provided, single submitter. Criteria: Invitae Variant Classification Sherloc (09022015). Collection method: clinical testing. Allele origin: germline.
Comment: This sequence change replaces aspartic acid, which is acidic and polar, with asparagine, which is neutral and polar, at codon 354 of the CARS2 protein (p.Asp354Asn). This variant is present in population databases (no rsID available, gnomAD 0.0009%). This variant has not been reported in the literature in individuals affected with CARS2-related conditions. Algorithms developed to predict the effect of missense changes on protein structure and function are either unavailable or do not agree on the potential impact of this missense change (SIFT: "Deleterious"; PolyPhen-2: "Possibly Damaging"; Align-GVGD: "Class C0"). In summary, the available evidence is currently insufficient to determine the role of this variant in disease. Therefore, it has been classified as a Variant of Uncertain Significance.

NM_024537.4(CARS2):c.1060G>A (p.Asp354Asn)

Gene: CARS2 (cysteinyl-tRNA synthetase 2, mitochondrial; minus strand). Cytogenetic location: 13q34.
Variant type: single nucleotide variant.
Coding change: c.1060G>A on transcript NM_024537.4 (MANE Select); coding-DNA position 1060, G replaced by A.
Protein change: p.Asp354Asn; replaces aspartic acid 354 with asparagine.
Molecular consequence: missense variant. On other transcripts: non-coding transcript variant (2).
Genome position (GRCh38, 1-based): chr13:110,647,234, C>T on the plus strand (G>A on the coding strand, the complement: CARS2 is on the minus strand). VCF-style: chr13-110647234-C-T. GRCh37 (hg19) VCF-style: chr13-111299581-C-T.
Other names: c.1060G>A (NM_024537.2); c.274G>A, p.Asp92Asn (NM_001352252.2); short protein forms D354N, D92N.
Identifiers: ClinVar variation 2417325 (VCV002417325.5), dbSNP rs1232480983, ClinGen allele CA388744411.